The following is an entry in ClinVar:

ClinVar aggregate classification (germline): Uncertain significance (1 of 4 stars; one submission).

Conditions:
Hereditary cancer-predisposing syndrome. Also called: Neoplastic Syndromes, Hereditary; Tumor predisposition; Hereditary Cancer Syndrome; Hereditary neoplastic syndrome. Identifiers: Orphanet 140162, MedGen C0027672, MeSH D009386, MONDO:0015356.

Submission:

Ambry Genetics
Classification: Uncertain significance for Hereditary cancer-predisposing syndrome. Last evaluated: 2025-08-07. Review status: criteria provided, single submitter. Criteria: Ambry Variant Classification Scheme 2023. Collection method: clinical testing. Allele origin: germline.
Comment: The p.P266R variant (also known as c.797C>G), located in coding exon 7 of the MRE11A gene, results from a C to G substitution at nucleotide position 797. The proline at codon 266 is replaced by arginine, an amino acid with dissimilar properties. This amino acid position is highly conserved in available vertebrate species. In addition, this alteration is predicted to be deleterious by in silico analysis. Since supporting evidence is limited at this time, the clinical significance of this alteration remains unclear.

NM_005591.4(MRE11):c.797C>G (p.Pro266Arg)

Gene: MRE11 (MRE11 double strand break repair nuclease; minus strand). Cytogenetic location: 11q21.
Variant type: single nucleotide variant.
Coding change: c.797C>G on transcript NM_005591.4 (MANE Select); coding-DNA position 797, C replaced by G.
Protein change: p.Pro266Arg; replaces proline 266 with arginine.
Molecular consequence: missense variant.
Genome position (GRCh38, 1-based): chr11:94,471,622, G>C on the plus strand (C>G on the coding strand, the complement: MRE11 is on the minus strand). VCF-style: chr11-94471622-G-C. GRCh37 (hg19) VCF-style: chr11-94204788-G-C.
Other names: c.797C>G, p.Pro266Arg (NM_001330347.2, NM_005590.4); short protein forms P266R.
Identifiers: ClinVar variation 481785 (VCV000481785.7), dbSNP rs1555013076, ClinGen allele CA382375590.